The following is an entry in ClinVar:

NM_033109.5(PNPT1):c.1002T>G (p.Tyr334Ter)

Gene: PNPT1 (polyribonucleotide nucleotidyltransferase 1; minus strand). Cytogenetic location: 2p16.1.
Variant type: single nucleotide variant.
Coding change: c.1002T>G on transcript NM_033109.5 (MANE Select); coding-DNA position 1002, T replaced by G.
Protein change: p.Tyr334Ter; replaces tyrosine 334 with a stop codon.
Molecular consequence: nonsense.
Genome position (GRCh38, 1-based): chr2:55,667,933, A>C on the plus strand (T>G on the coding strand, the complement: PNPT1 is on the minus strand). VCF-style: chr2-55667933-A-C. GRCh37 (hg19) VCF-style: chr2-55895068-A-C.
Other names: short protein forms Y334*.
Identifiers: ClinVar variation 3233882 (VCV003233882.3), dbSNP rs2529560640, ClinGen allele CA346929439.
Genomic context (GRCh38, chr2:55,667,933, plus strand): 5'-ATTCAAAACAATACTTCTAAAAACTTCCTTTGCAACAACATTGAAGGATTCTATTATTTC[A>C]TATGGATCGGCTTCTGGAAATTTTTCTATAGAAAAAAGACAAACCAAAACAAAGATTTTT-3'

ClinVar aggregate classification (germline): Pathogenic (1 of 4 stars; one submission).

Conditions:
PNPT1-related disorder. Also called: PNPT1-related disorders; PNPT1-related condition.

Submission:

Women's Health and Genetics/Laboratory Corporation of America, LabCorp
Classification: Pathogenic for PNPT1-Related Disorders. Last evaluated: 2024-03-19. Review status: criteria provided, single submitter. Criteria: LabCorp Variant Classification Summary - May 2015. Collection method: clinical testing. Allele origin: germline.
Comment: Variant summary: PNPT1 c.1002T>G (p.Tyr334X) results in a premature termination codon, predicted to cause a truncation of the encoded protein or absence of the protein due to nonsense mediated decay, which are commonly known mechanisms for disease. The variant was absent in 216298 control chromosomes. To our knowledge, no occurrence of c.1002T>G in individuals affected with PNPT1-Related Disorders and no experimental evidence demonstrating its impact on protein function have been reported. No submitters have cited clinical-significance assessments for this variant to ClinVar. Based on the evidence outlined above, the variant was classified as pathogenic.